The following is an entry in ClinVar:

NM_001145809.2(MYH14):c.4330G>A (p.Ala1444Thr)

Gene: MYH14 (myosin heavy chain 14; plus strand). Cytogenetic location: 19q13.33.
Variant type: single nucleotide variant.
Coding change: c.4330G>A on transcript NM_001145809.2 (MANE Select); coding-DNA position 4330, G replaced by A.
Protein change: p.Ala1444Thr; replaces alanine 1444 with threonine.
Molecular consequence: missense variant.
Genome position (GRCh38, 1-based): chr19:50,281,633, G>A. VCF-style: chr19-50281633-G-A. GRCh37 (hg19) VCF-style: chr19-50784890-G-A.
Other names: c.4231G>A, p.Ala1411Thr (NM_001077186.2); c.4207G>A, p.Ala1403Thr (NM_024729.4); c.4207G>A (NM_024729.3); short protein forms A1403T, A1411T, A1444T.
Identifiers: ClinVar variation 3366786 (VCV003366786.2).

ClinVar aggregate classification (germline): Uncertain significance. Review status: criteria provided, multiple submitters, no conflicts (2 of 4 stars). 2 submissions from 2 submitters: Uncertain significance (2). Last evaluated 2025-09-11.

Conditions:
Inborn genetic diseases. Identifiers: MedGen C0950123, MeSH D030342.

Submissions (2):

Ambry Genetics
Classification: Uncertain significance for Inborn genetic diseases. Last evaluated: 2025-09-11. Review status: criteria provided, single submitter. Criteria: Ambry Variant Classification Scheme 2023. Collection method: clinical testing. Allele origin: germline.

Women's Health and Genetics/Laboratory Corporation of America, LabCorp
Classification: Uncertain significance. Last evaluated: 2024-08-15. Review status: criteria provided, single submitter. Criteria: LabCorp Variant Classification Summary - May 2015. Collection method: clinical testing. Allele origin: germline.
Comment: Variant summary: MYH14 c.4207G>A (p.Ala1403Thr) results in a non-conservative amino acid change located in the Myosin tail domain (IPR002928) of the encoded protein sequence. Four of five in-silico tools predict a benign effect of the variant on protein function. The variant was absent in 237000 control chromosomes. The available data on variant occurrences in the general population are insufficient to allow any conclusion about variant significance. To our knowledge, no occurrence of c.4207G>A in individuals affected with Autosomal Dominant Deafness and no experimental evidence demonstrating its impact on protein function have been reported. No submitters have cited clinical-significance assessments for this variant to ClinVar. Based on the evidence outlined above, the variant was classified as uncertain significance.